The following is an entry in ClinVar:

GRCh38/hg38 2p16.3(chr2:50654953-50720666)x1

Genes: MIR8485 (microRNA 8485; minus strand), NRXN1 (neurexin 1; minus strand). Cytogenetic location: 2p16.3.
Variant type: copy number loss.
Change: copy number 1 (one copy instead of two) of chr2:50,654,953-50,720,666 (65.7 kb, GRCh38 coordinates, 1-based), cytogenetic band 2p16.3.
Identifiers: ClinVar variation 149721 (VCV000149721.3).

ClinVar aggregate classification (germline): Likely benign (0 of 4 stars; one submission).

Submission:

ISCA site 4
Classification: Likely benign. Last evaluated: 2017-09-01. Review status: no assertion criteria provided. Collection method: clinical testing. Allele origin: unknown. Affected: yes. Observed: 1 variant allele.
Comment: intronic loss

Copy number variation identified through the course of routine clinical cytogenomic testing in postnatal populations, with clinical assertions as classified by the original submitter.